The following is an entry in ClinVar:

NM_001164508.2(NEB):c.9407A>G (p.Gln3136Arg)

Gene: NEB (nebulin; minus strand). Cytogenetic location: 2q23.3.
Variant type: single nucleotide variant.
Coding change: c.9407A>G on transcript NM_001164508.2 (MANE Select); coding-DNA position 9407, A replaced by G.
Protein change: p.Gln3136Arg; replaces glutamine 3136 with arginine.
Molecular consequence: missense variant. On other transcripts: intron variant (1).
Genome position (GRCh38, 1-based): chr2:151,633,661, T>C on the plus strand (A>G on the coding strand, the complement: NEB is on the minus strand). VCF-style: chr2-151633661-T-C. GRCh37 (hg19) VCF-style: chr2-152490175-T-C.
Other names: c.9407A>G, p.Gln3136Arg (NM_001164507.2, NM_001271208.2); c.8854-2483A>G (NM_004543.5); short protein forms Q3136R.
Identifiers: ClinVar variation 2182698 (VCV002182698.2), dbSNP rs1023817132, ClinGen allele CA57658384.
Genomic context (GRCh38, chr2:151,633,661, plus strand): 5'-ACATAGTTTAAATTATTTCTATGCACAGCTCCATTTATAGATGCTGTACTCACGTCACTC[T>C]GGAGGTCATAGGCCTGCCGAGCATGGATGACATCGCTCTGGTCAGGCAGGCATGTCCACT-3'
Protein context (NP_001157980.2, residues 3126-3146): VIHARQAYDL[Gln3136Arg]SDNIYKSDLQ

ClinVar aggregate classification (germline): Uncertain significance. Review status: criteria provided, multiple submitters, no conflicts (2 of 4 stars). 2 submissions from 2 submitters: Uncertain significance (2). Last evaluated 2024-09-06.

Conditions:
Nemaline myopathy 2 (NEM2). Also called: Nemaline myopathy 2, autosomal recessive. Identifiers: MedGen C1850569, MONDO:0009725, OMIM 256030.

Allele frequency attached by ClinVar (database versions not stated): TOPMed below 0.00001.

Submissions (2):

Revvity Omics, Revvity
Classification: Uncertain significance. Last evaluated: 2024-09-06. Review status: criteria provided, single submitter. Criteria: ACMG Guidelines, 2015. Collection method: clinical testing. Allele origin: germline.

Labcorp Genetics (formerly Invitae), Labcorp
Classification: Uncertain significance for Nemaline myopathy 2. Last evaluated: 2021-09-01. Review status: criteria provided, single submitter. Criteria: Invitae Variant Classification Sherloc (09022015). Collection method: clinical testing. Allele origin: germline.
Comment: This sequence change replaces glutamine with arginine at codon 3136 of the NEB protein (p.Gln3136Arg). The glutamine residue is weakly conserved and there is a small physicochemical difference between glutamine and arginine. This variant is not present in population databases (ExAC no frequency). This variant has not been reported in the literature in individuals affected with NEB-related conditions. Algorithms developed to predict the effect of missense changes on protein structure and function are either unavailable or do not agree on the potential impact of this missense change (SIFT: "Deleterious"; PolyPhen-2: "Not Available"; Align-GVGD: "Class C0"). In summary, the available evidence is currently insufficient to determine the role of this variant in disease. Therefore, it has been classified as a Variant of Uncertain Significance.